The following is an entry in ClinVar:

ClinVar aggregate classification (germline): Uncertain significance (1 of 4 stars; one submission).

Conditions:
Cardiovascular phenotype. Identifiers: MedGen CN230736.

Allele frequency attached by ClinVar (database versions not stated): gnomAD exomes below 0.00001.

Submission:

Ambry Genetics
Classification: Uncertain significance for Cardiovascular phenotype. Last evaluated: 2021-12-24. Review status: criteria provided, single submitter. Criteria: Ambry Variant Classification Scheme 2023. Collection method: clinical testing. Allele origin: germline.
Comment: The p.G1823W variant (also known as c.5467G>T), located in coding exon 14 of the ALPK3 gene, results from a G to T substitution at nucleotide position 5467. The glycine at codon 1823 is replaced by tryptophan, an amino acid with highly dissimilar properties. This amino acid position is conserved. In addition, this alteration is predicted to be tolerated by in silico analysis. Since supporting evidence is limited at this time, the clinical significance of this alteration remains unclear.

NM_020778.5(ALPK3):c.4861G>T (p.Gly1621Trp)

Gene: ALPK3 (alpha kinase 3; plus strand). Cytogenetic location: 15q25.3.
Variant type: single nucleotide variant.
Coding change: c.4861G>T on transcript NM_020778.5 (MANE Select); coding-DNA position 4861, G replaced by T.
Protein change: p.Gly1621Trp; replaces glycine 1621 with tryptophan.
Molecular consequence: missense variant.
Genome position (GRCh38, 1-based): chr15:84,868,199, G>T. VCF-style: chr15-84868199-G-T. GRCh37 (hg19) VCF-style: chr15-85411430-G-T.
Other names: short protein forms G1621W.
Identifiers: ClinVar variation 1747696 (VCV001747696.2), dbSNP rs2505733396, ClinGen allele CA393365713.
Genomic context (GRCh38, chr15:84,868,199, plus strand): 5'-CCTGCCCTGCTGGACCGGTTCGCCTCCTCCCACCAGTGCAATGCCTACTGTGAGCTGCTG[G>T]GGCTGACACCTCTCAAGGGCCCGGAGGCGGCCCACCCCCAAGCCAAAGCCAAAGGCTCTA-3'
Protein context (NP_065829.4, residues 1611-1631): HQCNAYCELL[Gly1621Trp]LTPLKGPEAA